The following is an entry in ClinVar:

ClinVar aggregate classification (germline): Benign/Likely benign. Review status: criteria provided, multiple submitters, no conflicts (2 of 4 stars). 5 submissions from 5 submitters: Benign (2); Likely benign (3). Last evaluated 2025-12-06.

Conditions:
Hereditary cancer-predisposing syndrome. Also called: Hereditary neoplastic syndrome; Neoplastic Syndromes, Hereditary; Tumor predisposition; Hereditary Cancer Syndrome. Identifiers: Orphanet 140162, MedGen C0027672, MeSH D009386, MONDO:0015356.
Oligodontia-cancer predisposition syndrome. Also called: TOOTH AGENESIS-COLORECTAL CANCER SYNDROME. Identifiers: Orphanet 300576, MedGen C1837750, MONDO:0012075, OMIM 608615. Disease mechanism: loss of function.

Allele frequency attached by ClinVar (database versions not stated): TOPMed 0.00001.
gnomAD v4.1: 27 of 1,557,128 alleles (0.0017%); highest among the groups gnomAD compares: East Asian, 0.0024%; no homozygotes.

Submissions (5):

Labcorp Genetics (formerly Invitae), Labcorp
Classification: Likely benign for Oligodontia-cancer predisposition syndrome. Last evaluated: 2025-12-06. Review status: criteria provided, single submitter. Criteria: Invitae Variant Classification Sherloc (09022015). Collection method: clinical testing. Allele origin: germline.

Quest Diagnostics Nichols Institute San Juan Capistrano
Classification: Benign. Last evaluated: 2025-01-07. Review status: criteria provided, single submitter. Criteria: Quest Diagnostics criteria. Collection method: clinical testing. Allele origin: unknown.

Myriad Genetics, Inc.
Classification: Benign for Oligodontia-cancer predisposition syndrome. Last evaluated: 2024-07-02. Review status: criteria provided, single submitter. Criteria: Myriad Autosomal Dominant, Autosomal Recessive and X-Linked Classification Criteria (2023). Collection method: clinical testing. Allele origin: unknown.
Comment: This variant is considered benign. This variant is a silent/synonymous amino acid change and it is not expected to impact splicing.

Ambry Genetics
Classification: Likely benign for Hereditary cancer-predisposing syndrome. Last evaluated: 2020-08-31. Review status: criteria provided, single submitter. Criteria: Ambry Variant Classification Scheme 2023. Collection method: clinical testing. Allele origin: germline.

GeneDx
Classification: Likely benign. Last evaluated: 2018-06-14. Review status: criteria provided, single submitter. Criteria: GeneDx Variant Classification (06012015). Collection method: clinical testing. Allele origin: germline. Affected: yes.
Comment: This variant is considered likely benign or benign based on one or more of the following criteria: it is a conservative change, it occurs at a poorly conserved position in the protein, it is predicted to be benign by multiple in silico algorithms, and/or has population frequency not consistent with disease.

NM_004655.4(AXIN2):c.1338C>T (p.Val446=)

Gene: AXIN2 (axin 2; minus strand). Cytogenetic location: 17q24.1.
Variant type: single nucleotide variant.
Coding change: c.1338C>T on transcript NM_004655.4 (MANE Select); coding-DNA position 1338, C replaced by T.
Protein change: p.Val446=; no amino-acid change (valine 446 retained).
Molecular consequence: synonymous variant.
Genome position (GRCh38, 1-based): chr17:65,537,698, G>A on the plus strand (C>T on the coding strand, the complement: AXIN2 is on the minus strand). VCF-style: chr17-65537698-G-A. GRCh37 (hg19) VCF-style: chr17-63533816-G-A.
Other names: c.1338C>T, p.Val446= (NM_001363813.1); c.1338C>T (LRG_296t1).
Identifiers: ClinVar variation 533263 (VCV000533263.17), dbSNP rs369864600, ClinGen allele CA293098400.